The following is an entry in ClinVar:

ClinVar aggregate classification (germline): Uncertain significance. Review status: criteria provided, multiple submitters, no conflicts (2 of 4 stars). 2 submissions from 2 submitters: Uncertain significance (2). Last evaluated 2026-05-11.

Conditions:
Vici syndrome (VICIS). Identifiers: Orphanet 1493, MedGen C1855772, MONDO:0009452, OMIM 242840.
Inborn genetic diseases. Identifiers: MedGen C0950123, MeSH D030342.

Allele frequency attached by ClinVar (database versions not stated): gnomAD exomes 0.00004 and 0.00003; ExAC 0.00005; gnomAD 0.00006 and 0.00005; TOPMed 0.00011.
gnomAD v4.1: 46 of 1,612,268 alleles (0.0029%); highest among the groups gnomAD compares: South Asian, 0.015%; no homozygotes.

Submissions (2):

Ambry Genetics
Classification: Uncertain significance for Inborn genetic diseases. Last evaluated: 2026-05-11. Review status: criteria provided, single submitter. Criteria: Ambry Variant Classification Scheme 2023. Collection method: clinical testing. Allele origin: germline.

Labcorp Genetics (formerly Invitae), Labcorp
Classification: Uncertain significance for Vici syndrome. Last evaluated: 2025-01-24. Review status: criteria provided, single submitter. Criteria: Invitae Variant Classification Sherloc (09022015). Collection method: clinical testing. Allele origin: germline.
Comment: This sequence change replaces arginine, which is basic and polar, with cysteine, which is neutral and slightly polar, at codon 1454 of the EPG5 protein (p.Arg1454Cys). This variant is present in population databases (rs550924483, gnomAD 0.02%). This variant has not been reported in the literature in individuals affected with EPG5-related conditions. ClinVar contains an entry for this variant (Variation ID: 1448176). Invitae Evidence Modeling of protein sequence and biophysical properties (such as structural, functional, and spatial information, amino acid conservation, physicochemical variation, residue mobility, and thermodynamic stability) indicates that this missense variant is expected to disrupt EPG5 protein function with a positive predictive value of 80%. In summary, the available evidence is currently insufficient to determine the role of this variant in disease. Therefore, it has been classified as a Variant of Uncertain Significance.

NM_020964.3(EPG5):c.4360C>T (p.Arg1454Cys)

Gene: EPG5 (ectopic P-granules 5 autophagy tethering factor; minus strand). Cytogenetic location: 18q21.1.
Variant type: single nucleotide variant.
Coding change: c.4360C>T on transcript NM_020964.3 (MANE Select); coding-DNA position 4360, C replaced by T.
Protein change: p.Arg1454Cys; replaces arginine 1454 with cysteine.
Molecular consequence: missense variant.
Genome position (GRCh38, 1-based): chr18:45,904,087, G>A on the plus strand (C>T on the coding strand, the complement: EPG5 is on the minus strand). VCF-style: chr18-45904087-G-A. GRCh37 (hg19) VCF-style: chr18-43484052-G-A.
Other names: c.4360C>T (NM_020964.2); short protein forms R1454C.
Identifiers: ClinVar variation 1448176 (VCV001448176.7), dbSNP rs550924483, ClinGen allele CA8948879.